The following is an entry in ClinVar:

NM_178012.5(TUBB2B):c.342C>T (p.Asp114=)

Gene: TUBB2B (tubulin beta 2B class IIb; minus strand). Cytogenetic location: 6p25.2.
Variant type: single nucleotide variant.
Coding change: c.342C>T on transcript NM_178012.5 (MANE Select); coding-DNA position 342, C replaced by T.
Protein change: p.Asp114=; no amino-acid change (aspartic acid 114 retained).
Molecular consequence: synonymous variant.
Genome position (GRCh38, 1-based): chr6:3,225,747, G>A on the plus strand (C>T on the coding strand, the complement: TUBB2B is on the minus strand). VCF-style: chr6-3225747-G-A. GRCh37 (hg19) VCF-style: chr6-3225981-G-A.
Identifiers: ClinVar variation 380313 (VCV000380313.1), dbSNP rs1057520821, ClinGen allele CA16605518.
Genomic context (GRCh38, chr6:3,225,747, plus strand): 5'-CTGGAAGCCCTGGAGACAGTCACAGCTCTCTGACTCCTTCCTCACCACATCCAGGACCGA[G>A]TCGACCAGCTCGGCTCCCTCTGTGTAGTGGCCCTTGGCCCAGTTATTCCCGGCTCCACTC-3'
Protein context (NP_821080.1, residues 104-124): GHYTEGAELV[Asp114=]SVLDVVRKES

ClinVar aggregate classification (germline): Likely benign (1 of 4 stars; one submission).

Allele frequency attached by ClinVar (database versions not stated): TOPMed 0.00001.

Submission:

GeneDx
Classification: Likely benign. Last evaluated: 2016-06-22. Review status: criteria provided, single submitter. Criteria: GeneDx Variant Classification (06012015). Collection method: clinical testing. Allele origin: germline. Affected: yes.
Comment: This variant is considered likely benign or benign based on one or more of the following criteria: it is a conservative change, it occurs at a poorly conserved position in the protein, it is predicted to be benign by multiple in silico algorithms, and/or has population frequency not consistent with disease.